The following is an entry in ClinVar:

ClinVar aggregate classification (germline): Likely benign (1 of 4 stars; one submission).

Conditions:
Familial adenomatous polyposis 1 (FAP1). Also called: POLYPOSIS, ADENOMATOUS INTESTINAL; FAMILIAL ADENOMATOUS POLYPOSIS 1, ATTENUATED. Identifiers: MedGen C2713442, MONDO:0021056, OMIM 175100. Disease mechanism: loss of function.

Submission:

Myriad Genetics, Inc.
Classification: Likely benign for Familial adenomatous polyposis 1. Last evaluated: 2024-02-23. Review status: criteria provided, single submitter. Criteria: Myriad Autosomal Dominant, Autosomal Recessive and X-Linked Classification Criteria (2023). Collection method: clinical testing. Allele origin: unknown.
Comment: This variant is considered likely benign. This variant is intronic and is not expected to impact mRNA splicing.

NM_000038.6(APC):c.423-7A>T

Gene: APC (APC regulator of Wnt signaling pathway; plus strand). Cytogenetic location: 5q22.2.
Variant type: single nucleotide variant.
Coding change: c.423-7A>T on transcript NM_000038.6 (MANE Select); 7 bases into the intron before coding-DNA position 423, A replaced by T.
Molecular consequence: intron variant.
Genome position (GRCh38, 1-based): chr5:112,775,622, A>T. VCF-style: chr5-112775622-A-T. GRCh37 (hg19) VCF-style: chr5-112111319-A-T.
Other names: c.-613-7A>T (NM_001407470.1, NM_001407472.1, NM_001354906.2 and 1 more transcripts); c.423-7A>T (NM_001407447.1, NM_001354895.2, NM_001407456.1 and 16 more transcripts); c.453-7A>T (NM_001407446.1, NM_001354897.2, NM_001354902.2 and 1 more transcripts); c.246-7A>T (NM_001407453.1, NM_001354900.2, NM_001354901.2 and 1 more transcripts); c.348-7A>T (NM_001407451.1, NM_001354898.2, NM_001354904.2).
Identifiers: ClinVar variation 3148423 (VCV003148423.1), dbSNP rs2149614219, ClinGen allele CA2709983703.
Genomic context (GRCh38, chr5:112,775,622, plus strand): 5'-GTATTGCTCTTCTGCAGTCTTTATTAGCATTGTTTAAACGTACCTTTTTTTAAAAAAAAA[A>T]AAATAGGTCATTGCTTCTTGCTGATCTTGACAAAGAAGAAAAGGAAAAAGACTGGTATTA-3'